The following is an entry in ClinVar:

NM_199355.4(ADAMTS18):c.2870A>G (p.Gln957Arg)

Gene: ADAMTS18 (ADAM metallopeptidase with thrombospondin type 1 motif 18; minus strand). Cytogenetic location: 16q23.1.
Variant type: single nucleotide variant.
Coding change: c.2870A>G on transcript NM_199355.4 (MANE Select); coding-DNA position 2870, A replaced by G.
Protein change: p.Gln957Arg; replaces glutamine 957 with arginine.
Molecular consequence: missense variant.
Genome position (GRCh38, 1-based): chr16:77,295,059, T>C on the plus strand (A>G on the coding strand, the complement: ADAMTS18 is on the minus strand). VCF-style: chr16-77295059-T-C. GRCh37 (hg19) VCF-style: chr16-77328956-T-C.
Other names: c.2354A>G, p.Gln785Arg (NM_001326358.2); short protein forms Q785R, Q957R.
Identifiers: ClinVar variation 1409699 (VCV001409699.6), dbSNP rs1413487306, ClinGen allele CA396833579.

ClinVar aggregate classification (germline): Uncertain significance (1 of 4 stars; one submission).

Allele frequency attached by ClinVar (database versions not stated): gnomAD exomes 0.00001.
gnomAD v4.1: 3 of 1,614,210 alleles (0.00019%); highest among the groups gnomAD compares: Admixed American, 0.005%; no homozygotes.

Submission:

Labcorp Genetics (formerly Invitae), Labcorp
Classification: Uncertain significance. Last evaluated: 2021-10-12. Review status: criteria provided, single submitter. Criteria: Invitae Variant Classification Sherloc (09022015). Collection method: clinical testing. Allele origin: germline.
Comment: This sequence change replaces glutamine with arginine at codon 957 of the ADAMTS18 protein (p.Gln957Arg). The glutamine residue is moderately conserved and there is a small physicochemical difference between glutamine and arginine. This variant is not present in population databases (ExAC no frequency). This variant has not been reported in the literature in individuals affected with ADAMTS18-related conditions. Algorithms developed to predict the effect of missense changes on protein structure and function output the following: SIFT: "Not Available"; PolyPhen-2: "Benign"; Align-GVGD: "Not Available". The arginine amino acid residue is found in multiple mammalian species, which suggests that this missense change does not adversely affect protein function. In summary, the available evidence is currently insufficient to determine the role of this variant in disease. Therefore, it has been classified as a Variant of Uncertain Significance.